The following is an entry in ClinVar:

NM_000168.6(GLI3):c.2941G>C (p.Asp981His)

Gene: GLI3 (GLI family zinc finger 3; minus strand). Cytogenetic location: 7p14.1.
Variant type: single nucleotide variant.
Coding change: c.2941G>C on transcript NM_000168.6 (MANE Select); coding-DNA position 2941, G replaced by C.
Protein change: p.Asp981His; replaces aspartic acid 981 with histidine.
Molecular consequence: missense variant.
Genome position (GRCh38, 1-based): chr7:41,966,132, C>G on the plus strand (G>C on the coding strand, the complement: GLI3 is on the minus strand). VCF-style: chr7-41966132-C-G. GRCh37 (hg19) VCF-style: chr7-42005730-C-G.
Other names: short protein forms D981H.
Identifiers: ClinVar variation 4783595 (VCV004783595.1).

ClinVar aggregate classification (germline): Uncertain significance (1 of 4 stars; one submission).

Conditions:
Pallister-Hall syndrome (PHS). Also called: GLI3-Related Pallister-Hall Syndrome; HYPOTHALAMIC HAMARTOBLASTOMA, HYPOPITUITARISM, IMPERFORATE ANUS, AND POSTAXIAL POLYDACTYLY. Identifiers: Orphanet 672, MedGen C0265220, MONDO:0007804, OMIM 146510.
Greig cephalopolysyndactyly syndrome (GCPS). Also called: POLYSYNDACTYLY WITH PECULIAR SKULL SHAPE; Greig syndrome; GLI3-Related Greig Cephalopolysyndactyly Syndrome. Identifiers: Orphanet 380, MedGen C0265306, MONDO:0008287, OMIM 175700.

gnomAD v4.1: 1 of 1,587,898 alleles (0.000063%); highest among the groups gnomAD compares: Non-Finnish European, 0.000085%; no homozygotes.

Submission:

Labcorp Genetics (formerly Invitae), Labcorp
Classification: Uncertain significance for Pallister-Hall syndrome; Greig cephalopolysyndactyly syndrome. Last evaluated: 2025-05-18. Review status: criteria provided, single submitter. Criteria: Invitae Variant Classification Sherloc (09022015). Collection method: clinical testing. Allele origin: germline.
Comment: This sequence change replaces aspartic acid, which is acidic and polar, with histidine, which is basic and polar, at codon 981 of the GLI3 protein (p.Asp981His). This variant is not present in population databases (gnomAD no frequency). This variant has not been reported in the literature in individuals affected with GLI3-related conditions. Invitae Evidence Modeling of protein sequence and biophysical properties (such as structural, functional, and spatial information, amino acid conservation, physicochemical variation, residue mobility, and thermodynamic stability) indicates that this missense variant is not expected to disrupt GLI3 protein function with a negative predictive value of 95%. In summary, the available evidence is currently insufficient to determine the role of this variant in disease. Therefore, it has been classified as a Variant of Uncertain Significance.